The following is an entry in ClinVar:

NM_006206.6(PDGFRA):c.3210C>T (p.Ile1070=)

Gene: PDGFRA (platelet derived growth factor receptor alpha; plus strand). Cytogenetic location: 4q12.
Variant type: single nucleotide variant.
Coding change: c.3210C>T on transcript NM_006206.6 (MANE Select); coding-DNA position 3210, C replaced by T.
Protein change: p.Ile1070=; no amino-acid change (isoleucine 1070 retained).
Molecular consequence: synonymous variant.
Genome position (GRCh38, 1-based): chr4:54,295,212, C>T. VCF-style: chr4-54295212-C-T. GRCh37 (hg19) VCF-style: chr4-55161379-C-T.
Other names: c.3285C>T, p.Ile1095= (NM_001347828.2); c.3210C>T, p.Ile1070= (NM_001347829.2); c.3249C>T, p.Ile1083= (NM_001347830.2).
Identifiers: ClinVar variation 414517 (VCV000414517.12), dbSNP rs149498489, ClinGen allele CA2923059.

ClinVar aggregate classification (germline): Benign/Likely benign. Review status: criteria provided, multiple submitters, no conflicts (2 of 4 stars). 3 submissions from 3 submitters: Benign (1); Likely benign (2). Last evaluated 2026-06-18.

Conditions:
Polyps, multiple and recurrent inflammatory fibroid, gastrointestinal. Identifiers: MedGen C5193005, MONDO:0008285, OMIM 175510.
Hereditary cancer-predisposing syndrome. Also called: Neoplastic Syndromes, Hereditary; Hereditary Cancer Syndrome; Hereditary neoplastic syndrome; Tumor predisposition. Identifiers: Orphanet 140162, MedGen C0027672, MeSH D009386, MONDO:0015356.
Gastrointestinal stromal tumor. Also called: Gastrointestinal stroma tumor; Gastrointestinal stromal tumor, somatic. Identifiers: Orphanet 44890, MedGen C0238198, MeSH D046152, MONDO:0011719, OMIM 606764, HP:0100723.

Allele frequency attached by ClinVar (database versions not stated): gnomAD exomes below 0.00001 and 0.00001; ExAC 0.00002; gnomAD 0.00002 and 0.00003; TOPMed 0.00002; ESP Exome Variant Server 0.00015.
gnomAD v4.1: 9 of 1,613,574 alleles (0.00056%); highest among the groups gnomAD compares: African/African-American, 0.004%; no homozygotes.

Submissions (3):

Myriad Genetics, Inc.
Classification: Benign for Polyps, multiple and recurrent inflammatory fibroid, gastrointestinal. Last evaluated: 2026-06-18. Review status: criteria provided, single submitter. Criteria: Myriad Autosomal Dominant, Autosomal Recessive and X-Linked Classification Criteria (2023). Collection method: clinical testing. Allele origin: unknown.
Comment: This variant is considered benign. This variant is a silent/synonymous amino acid change and it is not expected to impact splicing.

Labcorp Genetics (formerly Invitae), Labcorp
Classification: Likely benign for Gastrointestinal stromal tumor. Last evaluated: 2025-12-03. Review status: criteria provided, single submitter. Criteria: Invitae Variant Classification Sherloc (09022015). Collection method: clinical testing. Allele origin: germline.

Ambry Genetics
Classification: Likely benign for Hereditary cancer-predisposing syndrome. Last evaluated: 2022-05-01. Review status: criteria provided, single submitter. Criteria: Ambry Variant Classification Scheme 2023. Collection method: clinical testing. Allele origin: germline.